The following is an entry in ClinVar:

NM_001759.4(CCND2):c.826G>A (p.Asp276Asn)

Gene: CCND2 (cyclin D2; plus strand). Cytogenetic location: 12p13.32.
Variant type: single nucleotide variant.
Coding change: c.826G>A on transcript NM_001759.4 (MANE Select); coding-DNA position 826, G replaced by A.
Protein change: p.Asp276Asn; replaces aspartic acid 276 with asparagine.
Molecular consequence: missense variant.
Genome position (GRCh38, 1-based): chr12:4,299,965, G>A. VCF-style: chr12-4299965-G-A. GRCh37 (hg19) VCF-style: chr12-4409131-G-A.
Other names: short protein forms D276N.
Identifiers: ClinVar variation 1313576 (VCV001313576.2), dbSNP rs2120593520, ClinGen allele CA383413708.

ClinVar aggregate classification (germline): Uncertain significance (1 of 4 stars; one submission).

Allele frequency attached by ClinVar (database versions not stated): gnomAD exomes 0.00001.
gnomAD v4.1: 7 of 1,614,112 alleles (0.00043%); highest among the groups gnomAD compares: Non-Finnish European, 0.00059%; no homozygotes.

Submission:

GeneDx
Classification: Uncertain significance. Last evaluated: 2020-10-22. Review status: criteria provided, single submitter. Criteria: GeneDx Variant Classification Process June 2021. Collection method: clinical testing. Allele origin: germline. Affected: yes.
Comment: Not observed in large population cohorts (Lek et al., 2016); In silico analysis supports that this missense variant does not alter protein structure/function; Has not been previously published as pathogenic or benign to our knowledge